The following is an entry in ClinVar:

ClinVar aggregate classification (germline): Conflicting classifications of pathogenicity. Review status: criteria provided, conflicting classifications (1 of 4 stars). 9 submissions from 9 submitters: Uncertain significance (2); Benign (4); Likely benign (2). 1 of the submissions does not count toward it. Last evaluated 2025-12-15.

Conditions:
CACNA1A-related disorder. Also called: CACNA1A-related condition.
Developmental and epileptic encephalopathy, 42 (DEE42A). Also called: DEVELOPMENTAL AND EPILEPTIC ENCEPHALOPATHY 42A; EPILEPTIC ENCEPHALOPATHY, EARLY INFANTILE, 42A; Epileptic encephalopathy, early infantile, 42. Identifiers: MedGen C4310716, MONDO:0014917, OMIM 617106.
Episodic ataxia type 2 (EA2). Also called: ATAXIA, EPISODIC, WITH NYSTAGMUS; ATAXIA, FAMILIAL PAROXYSMAL; CEREBELLAR ATAXIA, PAROXYSMAL, ACETAZOLAMIDE-RESPONSIVE; CEREBELLOPATHY, HEREDITARY PAROXYSMAL; ACETAZOLAMIDE-RESPONSIVE HEREDITARY PAROXYSMAL CEREBELLAR ATAXIA; EPISODIC ATAXIA, NYSTAGMUS-ASSOCIATED. Identifiers: Orphanet 97, MedGen C1720416, MONDO:0007163, OMIM 108500.
Inborn genetic diseases. Identifiers: MedGen C0950123, MeSH D030342.

Submissions (9):

Labcorp Genetics (formerly Invitae), Labcorp
Classification: Likely benign for Developmental and epileptic encephalopathy, 42; Episodic ataxia type 2. Last evaluated: 2025-12-15. Review status: criteria provided, single submitter. Criteria: Invitae Variant Classification Sherloc (09022015). Collection method: clinical testing. Allele origin: germline.

CeGaT Center for Human Genetics Tuebingen
Classification: Benign. Last evaluated: 2025-11-01. Review status: criteria provided, single submitter. Criteria: CeGaT Center For Human Genetics Tuebingen Variant Classification Criteria Version 2. Collection method: clinical testing. Allele origin: germline. Affected: yes. Observed: 4 variant alleles.
Comment: CACNA1A: BS1, BS2

Blueprint Genetics
Classification: Likely benign. Last evaluated: 2024-10-24. Review status: criteria provided, single submitter. Criteria: ACMG Guidelines, 2015. Collection method: clinical testing. Allele origin: germline.

GeneDx
Classification: Benign. Last evaluated: 2019-08-15. Review status: criteria provided, single submitter. Criteria: GeneDx Variant Classification Process June 2021. Collection method: clinical testing. Allele origin: germline. Affected: yes.

Ambry Genetics
Classification: Benign for Inborn genetic diseases. Last evaluated: 2019-04-03. Review status: criteria provided, single submitter. Criteria: Ambry Variant Classification Scheme 2023. Collection method: clinical testing. Allele origin: germline.

Athena Diagnostics
Classification: Benign. Last evaluated: 2018-05-21. Review status: criteria provided, single submitter. Criteria: Athena Diagnostics Criteria. Collection method: clinical testing. Allele origin: germline.

Baylor Genetics
Classification: Uncertain significance for Developmental and epileptic encephalopathy, 42. Last evaluated: 2018-05-08. Review status: criteria provided, single submitter. Criteria: ACMG Guidelines, 2015. Collection method: clinical testing. Allele origin: paternal. Affected: yes.
Comment: This variant was determined to be of uncertain significance according to ACMG Guidelines, 2015 [PMID:25741868].

Eurofins Ntd Llc (ga)
Classification: Uncertain significance. Last evaluated: 2014-10-23. Review status: criteria provided, single submitter. Criteria: EGL Classification Definitions. Collection method: clinical testing. Allele origin: germline. Observed: 1 variant allele, 1 heterozygote.

PreventionGenetics, part of Exact Sciences
Classification: Likely benign for CACNA1A-related condition. Last evaluated: 2021-06-14. Review status: no assertion criteria provided. Collection method: clinical testing. Allele origin: germline. Not counted in ClinVar's aggregate classification.
Comment: This variant is classified as likely benign based on ACMG/AMP sequence variant interpretation guidelines (Richards et al. 2015 PMID: 25741868, with internal and published modifications).

NM_001127222.2(CACNA1A):c.2968GAGGGC[4] (p.990EG[4])

Gene: CACNA1A (calcium voltage-gated channel subunit alpha1 A; minus strand). Cytogenetic location: 19p13.13.
Variant type: Microsatellite.
Coding change: c.2968GAGGGC[4] on transcript NM_001127222.2 (MANE Select); four copies in a row of the 6-base unit GAGGGC starting at c.2968; the reference has three copies in a row; one copy, 6 bases duplicated.
Protein change: p.990EG[4].
Molecular consequence: inframe insertion.
Genome position (GRCh38, 1-based): chr19:13,298,648-13,298,653, GCCCTC duplicated on the plus strand (GAGGGC on the coding strand, the reverse complement: CACNA1A is on the minus strand); duplicating any 6 consecutive bases within chr19:13,298,648-13,298,668 gives the same sequence; the position shown is the placement nearest the transcript's 3' end. VCF-style (leftmost placement, unchanged base first): chr19-13298647-G-GGCCCTC. GRCh37 (hg19) VCF-style: chr19-13409461-G-GGCCCTC.
Other names: c.2980GAGGGC[4], p.994EG[4] (NM_000068.4, NM_023035.3); c.2971GAGGGC[4], p.991EG[4] (NM_001127221.2, NM_001174080.2); c.2983_2988dupGAGGGC (NM_001127221.1); c.2980_2985dup6 (NM_001127222.1).
Identifiers: ClinVar variation 421524 (VCV000421524.50), dbSNP rs764399373, ClinGen allele CA241158.